The following is an entry in ClinVar:

ClinVar aggregate classification (germline): Uncertain significance (1 of 4 stars; one submission).

Conditions:
Inborn genetic diseases. Identifiers: MedGen C0950123, MeSH D030342.

gnomAD v4.1: 2 of 1,614,154 alleles (0.00012%); highest among the groups gnomAD compares: Non-Finnish European, 0.00017%; no homozygotes.

Submission:

Ambry Genetics
Classification: Uncertain significance for Inborn genetic diseases. Last evaluated: 2025-05-09. Review status: criteria provided, single submitter. Criteria: Ambry Variant Classification Scheme 2023. Collection method: clinical testing. Allele origin: germline.
Comment: The p.Y173C variant (also known as c.518A>G), located in coding exon 1 of the SAMD9 gene, results from an A to G substitution at nucleotide position 518. The tyrosine at codon 173 is replaced by cysteine, an amino acid with highly dissimilar properties. This amino acid position is conserved. In addition, this alteration is predicted to be tolerated by in silico analysis. Based on the available evidence, the clinical significance of this variant remains unclear.

NM_017654.4(SAMD9):c.518A>G (p.Tyr173Cys)

Gene: SAMD9 (sterile alpha motif domain containing 9; minus strand). Cytogenetic location: 7q21.2.
Variant type: single nucleotide variant.
Coding change: c.518A>G on transcript NM_017654.4 (MANE Select); coding-DNA position 518, A replaced by G.
Protein change: p.Tyr173Cys; replaces tyrosine 173 with cysteine.
Molecular consequence: missense variant.
Genome position (GRCh38, 1-based): chr7:93,105,580, T>C on the plus strand (A>G on the coding strand, the complement: SAMD9 is on the minus strand). VCF-style: chr7-93105580-T-C. GRCh37 (hg19) VCF-style: chr7-92734893-T-C.
Other names: c.518A>G, p.Tyr173Cys (NM_001193307.2); short protein forms Y173C.
Identifiers: ClinVar variation 3949618 (VCV003949618.1).
Genomic context (GRCh38, chr7:93,105,580, plus strand): 5'-GGATCAATGAGATTGCCTGGTCCTGTTTCAGGCTGTAGACTAAAATCCAACTTGTAACGA[T>C]ATGGATTACTGAATTCATCAAATGGATATGATACACATGTCAGGTCTATGGATGGTTGCC-3'
Protein context (NP_060124.2, residues 163-183): SYPFDEFSNP[Tyr173Cys]RYKLDFSLQP